The following is an entry in ClinVar:

NM_007294.4(BRCA1):c.334A>T (p.Asn112Tyr)

Gene: BRCA1 (BRCA1 DNA repair associated; minus strand). Cytogenetic location: 17q21.31.
Variant type: single nucleotide variant.
Coding change: c.334A>T on transcript NM_007294.4 (MANE Select); coding-DNA position 334, A replaced by T.
Protein change: p.Asn112Tyr; replaces asparagine 112 with tyrosine.
Molecular consequence: missense variant. On other transcripts: non-coding transcript variant (1).
Genome position (GRCh38, 1-based): chr17:43,104,229, T>A on the plus strand (A>T on the coding strand, the complement: BRCA1 is on the minus strand). VCF-style: chr17-43104229-T-A. GRCh37 (hg19) VCF-style: chr17-41256246-T-A.
Other names: c.124A>T, p.Asn42Tyr (NM_001407953.1, NM_001407954.1, NM_001407955.1 and 58 more transcripts); c.-48A>T (NM_001407959.1, NM_001407960.1, NM_001407962.1 and 4 more transcripts); c.193A>T, p.Asn65Tyr (NM_001407964.1, NM_001407740.1, NM_001407741.1 and 99 more transcripts); c.334A>T, p.Asn112Tyr (NM_001407968.1, NM_001407969.1, NM_001407977.1 and 165 more transcripts); c.256A>T, p.Asn86Tyr (NM_001407862.1, NM_001407874.1, NM_001407875.1 and 21 more transcripts); c.325A>T, p.Asn109Tyr (NM_001408408.1, NM_001407646.1, NM_001407647.1); c.202A>T, p.Asn68Tyr (NM_001408451.1); short protein forms N112Y, N65Y, N68Y, N86Y, N109Y, N42Y.
Identifiers: ClinVar variation 1330050 (VCV001330050.10), dbSNP rs587782017, ClinGen allele CA10601477.

ClinVar aggregate classification (germline): Uncertain significance. Review status: criteria provided, multiple submitters, no conflicts (2 of 4 stars). 3 submissions from 3 submitters: Uncertain significance (3). Last evaluated 2024-04-25.

Conditions:
Hereditary cancer-predisposing syndrome. Also called: Hereditary Cancer Syndrome; Tumor predisposition; Neoplastic Syndromes, Hereditary; Hereditary neoplastic syndrome. Identifiers: Orphanet 140162, MedGen C0027672, MeSH D009386, MONDO:0015356.
Hereditary breast ovarian cancer syndrome. Also called: Hereditary breast and ovarian cancer syndrome; Hereditary breast and ovarian cancer; Hereditary breast and ovarian cancer syndrome (HBOC); BRCA1- and BRCA2-Associated Hereditary Breast and Ovarian Cancer; Hereditary breast and/or ovarian cancer syndrome; Breast and ovarian cancer. Identifiers: Orphanet 145, MedGen C0677776, MeSH D061325, MONDO:0003582. Disease mechanism: loss of function.

Submissions (3):

Labcorp Genetics (formerly Invitae), Labcorp
Classification: Uncertain significance for Hereditary breast ovarian cancer syndrome. Last evaluated: 2024-04-25. Review status: criteria provided, single submitter. Criteria: Invitae Variant Classification Sherloc (09022015). Collection method: clinical testing. Allele origin: germline.
Comment: This sequence change replaces asparagine, which is neutral and polar, with tyrosine, which is neutral and polar, at codon 112 of the BRCA1 protein (p.Asn112Tyr). This variant is not present in population databases (gnomAD no frequency). This missense change has been observed in individual(s) with clinical features of hereditary breast and ovarian cancer (HBOC) syndrome (PMID: 28111427). ClinVar contains an entry for this variant (Variation ID: 1330050). Advanced modeling of protein sequence and biophysical properties (such as structural, functional, and spatial information, amino acid conservation, physicochemical variation, residue mobility, and thermodynamic stability) has been performed at Invitae for this missense variant, however the output from this modeling did not meet the statistical confidence thresholds required to predict the impact of this variant on BRCA1 protein function. In summary, the available evidence is currently insufficient to determine the role of this variant in disease. Therefore, it has been classified as a Variant of Uncertain Significance.

Quest Diagnostics Nichols Institute San Juan Capistrano
Classification: Uncertain significance. Last evaluated: 2020-12-26. Review status: criteria provided, single submitter. Criteria: Quest Diagnostics criteria. Collection method: clinical testing. Allele origin: unknown.

Ambry Genetics
Classification: Uncertain significance for Hereditary cancer-predisposing syndrome. Last evaluated: 2020-06-23. Review status: criteria provided, single submitter. Criteria: Ambry Variant Classification Scheme 2023. Collection method: clinical testing. Allele origin: germline.
Comment: The p.N112Y variant (also known as c.334A>T), located in coding exon 5 of the BRCA1 gene, results from an A to T substitution at nucleotide position 334. The asparagine at codon 112 is replaced by tyrosine, an amino acid with dissimilar properties. This alteration has been reported in a cohort of 745 Korean hereditary breast and ovarian cancer (HBOC) patients (Park JS et al. Cancer Res Treat, 2017 Oct;49:1012-1021). However, in a study of 7051 unselected female breast cancer patients and 53 unselected male breast cancer patients of Japanese ancestry this variant was only observed in controls with a carrier frequency of 0.00009 in 11241 female controls and 0.000016 of 12490 male controls (Momozawa Y et al. Nat Commun, 2018 10;9:4083). This amino acid position is not well conserved in available vertebrate species. In addition, this alteration is predicted to be deleterious by in silico analysis. Since supporting evidence is limited at this time, the clinical significance of this alteration remains unclear.

Literature cited by the submitters: PubMed 28111427 (cited by 3 submitters); PubMed 30287823 (cited by Quest Diagnostics Nichols Institute San Juan Capistrano and Ambry Genetics).